The following is an entry in ClinVar:

ClinVar aggregate classification (germline): Uncertain significance (1 of 4 stars; one submission).

Conditions:
46,XY sex reversal 7. Also called: DHH-Related 46,XY complete gonadal dysgenesis; 46,XY SEX REVERSAL, PARTIAL OR COMPLETE, DHH-RELATED; 46,XY GONADAL DYSGENESIS, PARTIAL OR COMPLETE, DHH-RELATED; GONADAL DYSGENESIS, XY, MALE-LIMITED. Identifiers: Orphanet 242, MedGen C1856273, MONDO:0009301, OMIM 233420.

gnomAD v4.1: 1 of 1,606,660 alleles (0.000062%); highest among the groups gnomAD compares: East Asian, 0.0022%; no homozygotes.

Submission:

Labcorp Genetics (formerly Invitae), Labcorp
Classification: Uncertain significance for 46,XY sex reversal 7. Last evaluated: 2023-11-15. Review status: criteria provided, single submitter. Criteria: Invitae Variant Classification Sherloc (09022015). Collection method: clinical testing. Allele origin: germline.
Comment: This sequence change replaces proline, which is neutral and non-polar, with glutamine, which is neutral and polar, at codon 201 of the DHH protein (p.Pro201Gln). This variant is not present in population databases (gnomAD no frequency). This variant has not been reported in the literature in individuals affected with DHH-related conditions. Advanced modeling of protein sequence and biophysical properties (such as structural, functional, and spatial information, amino acid conservation, physicochemical variation, residue mobility, and thermodynamic stability) has been performed at Invitae for this missense variant, however the output from this modeling did not meet the statistical confidence thresholds required to predict the impact of this variant on DHH protein function. In summary, the available evidence is currently insufficient to determine the role of this variant in disease. Therefore, it has been classified as a Variant of Uncertain Significance.

NM_021044.4(DHH):c.602C>A (p.Pro201Gln)

Gene: DHH (desert hedgehog signaling molecule; minus strand). Cytogenetic location: 12q13.12.
Variant type: single nucleotide variant.
Coding change: c.602C>A on transcript NM_021044.4 (MANE Select); coding-DNA position 602, C replaced by A.
Protein change: p.Pro201Gln; replaces proline 201 with glutamine.
Molecular consequence: missense variant.
Genome position (GRCh38, 1-based): chr12:49,090,448, G>T on the plus strand (C>A on the coding strand, the complement: DHH is on the minus strand). VCF-style: chr12-49090448-G-T. GRCh37 (hg19) VCF-style: chr12-49484231-G-T.
Other names: short protein forms P201Q.
Identifiers: ClinVar variation 2966235 (VCV002966235.3), dbSNP rs2498533397, ClinGen allele CA384719197.